The following is an entry in ClinVar:

NM_000138.5(FBN1):c.1294G>A (p.Val432Met)

Gene: FBN1 (fibrillin 1; minus strand). Cytogenetic location: 15q21.1.
Variant type: single nucleotide variant.
Coding change: c.1294G>A on transcript NM_000138.5 (MANE Select); coding-DNA position 1294, G replaced by A.
Protein change: p.Val432Met; replaces valine 432 with methionine.
Molecular consequence: missense variant.
Genome position (GRCh38, 1-based): chr15:48,516,216, C>T on the plus strand (G>A on the coding strand, the complement: FBN1 is on the minus strand). VCF-style: chr15-48516216-C-T. GRCh37 (hg19) VCF-style: chr15-48808413-C-T.
Other names: c.1294G>A, p.Val432Met (NM_001406716.1); short protein forms V432M.
Identifiers: ClinVar variation 5021577 (VCV005021577.1).
Genomic context (GRCh38, chr15:48,516,216, plus strand): 5'-ATAACTAGATGATTTTTGAATTCTTACTTGGTGGCTCCCGAGATGGATACAGATATTCCA[C>T]TGGTGGTCGAGGGACCGGAATTTGAGGTCCAGGAGGAAAGCCAGGAGGAACAGGGAGAAC-3'
Protein context (NP_000129.3, residues 422-442): GPQIPVPRPP[Val432Met]EYLYPSREPP

ClinVar aggregate classification (germline): Uncertain significance (1 of 4 stars; one submission).

Conditions:
Familial thoracic aortic aneurysm and aortic dissection (TAAD). Also called: Thoracic aortic aneurysms and dissections. Identifiers: Orphanet 91387, MedGen C4707243, MONDO:0019625.

Submission:

Ambry Genetics
Classification: Uncertain significance for Familial thoracic aortic aneurysm and aortic dissection. Last evaluated: 2026-07-02. Review status: criteria provided, single submitter. Criteria: Ambry Variant Classification Scheme 2023. Collection method: clinical testing. Allele origin: germline.
Comment: The p.V432M variant (also known as c.1294G>A), located in coding exon 10 of the FBN1 gene, results from a G to A substitution at nucleotide position 1294. The valine at codon 432 is replaced by methionine, an amino acid with highly similar properties. This amino acid position is conserved. In addition, this alteration is predicted to be tolerated by in silico analysis. Based on the available evidence, the clinical significance of this variant remains unclear.